The following is an entry in ClinVar:

NM_000799.4(EPO):c.19C>T (p.Pro7Ser)

Gene: EPO (erythropoietin; plus strand). Cytogenetic location: 7q22.1.
Variant type: single nucleotide variant.
Coding change: c.19C>T on transcript NM_000799.4 (MANE Select); coding-DNA position 19, C replaced by T.
Protein change: p.Pro7Ser; replaces proline 7 with serine.
Molecular consequence: missense variant.
Genome position (GRCh38, 1-based): chr7:100,721,563, C>T. VCF-style: chr7-100721563-C-T. GRCh37 (hg19) VCF-style: chr7-100319186-C-T.
Other names: short protein forms P7S.
Identifiers: ClinVar variation 2634757 (VCV002634757.1), dbSNP rs747612452, ClinGen allele CA4389432.

ClinVar aggregate classification (germline): Uncertain significance (1 of 4 stars; one submission).

Conditions:
EPO-related disorder. Also called: EPO-related condition.

Allele frequency attached by ClinVar (database versions not stated): ExAC 0.00001; gnomAD 0.00001; gnomAD exomes 0.00001; TOPMed 0.00001.

Submission:

PreventionGenetics, part of Exact Sciences
Classification: Uncertain significance for EPO-related condition. Last evaluated: 2023-07-19. Review status: criteria provided, single submitter. Criteria: ACMG Guidelines, 2015. Collection method: clinical testing. Allele origin: germline.
Comment: The EPO c.19C>T variant is predicted to result in the amino acid substitution p.Pro7Ser. To our knowledge, this variant has not been reported in the literature. This variant is reported in 0.0027% of alleles in individuals of European (Non-Finnish) descent in gnomAD. At this time, the clinical significance of this variant is uncertain due to the absence of conclusive functional and genetic evidence.